The following is an entry in ClinVar:

ClinVar aggregate classification (germline): Pathogenic. Review status: criteria provided, multiple submitters, no conflicts (2 of 4 stars). 2 submissions from 2 submitters: Pathogenic (2). Last evaluated 2025-12-11.

Submissions (2):

Labcorp Genetics (formerly Invitae), Labcorp
Classification: Pathogenic. Last evaluated: 2025-12-11. Review status: criteria provided, single submitter. Criteria: Invitae Variant Classification Sherloc (09022015). Collection method: clinical testing. Allele origin: germline.
Comment: This sequence change creates a premature translational stop signal (p.Trp305*) in the PORCN gene. It is expected to result in an absent or disrupted protein product. Loss-of-function variants in PORCN are known to be pathogenic (PMID: 17546030, 19309688). This variant is not present in population databases (gnomAD no frequency). This premature translational stop signal has been observed in individual(s) with Goltz-Gorlin Syndrome (PMID: 21472892). ClinVar contains an entry for this variant (Variation ID: 3338813). Algorithms developed to predict the effect of sequence changes on RNA splicing suggest that this variant may disrupt the consensus splice site. For these reasons, this variant has been classified as Pathogenic.

GeneDx
Classification: Pathogenic. Last evaluated: 2023-12-11. Review status: criteria provided, single submitter. Criteria: GeneDx Variant Classification Process June 2021. Collection method: clinical testing. Allele origin: germline. Affected: yes.
Comment: Identified in patients with suspected Goltz syndrome referred for genetic testing at GeneDx and in published literature (PMID: 21472892); Nonsense variant predicted to result in protein truncation or nonsense mediated decay in a gene for which loss of function is a known mechanism of disease; Not observed at significant frequency in large population cohorts (gnomAD); This variant is associated with the following publications: (PMID: 25525159, 21472892)

Literature cited by the submitters: PubMed 17546030 (cited by Labcorp Genetics (formerly Invitae), Labcorp); PubMed 19309688 (cited by Labcorp Genetics (formerly Invitae), Labcorp); PubMed 21472892 (cited by Labcorp Genetics (formerly Invitae), Labcorp).

NM_203475.3(PORCN):c.914G>A (p.Trp305Ter)

Gene: PORCN (porcupine O-acyltransferase; plus strand). Cytogenetic location: Xp11.23.
Variant type: single nucleotide variant.
Coding change: c.914G>A on transcript NM_203475.3 (MANE Select); coding-DNA position 914, G replaced by A.
Protein change: p.Trp305Ter; replaces tryptophan 305 with a stop codon.
Molecular consequence: nonsense.
Genome position (GRCh38, 1-based): chrX:48,514,593, G>A. VCF-style: chrX-48514593-G-A. GRCh37 (hg19) VCF-style: chrX-48372981-G-A.
Other names: c.668G>A, p.Trp223Ter (NM_001282167.2); c.881G>A, p.Trp294Ter (NM_022825.4); c.899G>A, p.Trp300Ter (NM_203473.3); c.896G>A, p.Trp299Ter (NM_203474.1); short protein forms W223*, W294*, W299*, W300*, W305*.
Identifiers: ClinVar variation 3338813 (VCV003338813.2).